The following is an entry in ClinVar:

NM_130384.3(ATRIP):c.2218C>T (p.His740Tyr)

Genes: ATRIP (ATR interacting protein; plus strand), ATRIP-TREX1 (ATRIP-TREX1 readthrough; plus strand). Cytogenetic location: 3p21.31.
Variant type: single nucleotide variant.
Coding change: c.2218C>T on transcript NM_130384.3 (MANE Select); coding-DNA position 2218, C replaced by T.
Protein change: p.His740Tyr; replaces histidine 740 with tyrosine.
Molecular consequence: missense variant. On other transcripts: non-coding transcript variant (1).
Genome position (GRCh38, 1-based): chr3:48,464,993, C>T. VCF-style: chr3-48464993-C-T. GRCh37 (hg19) VCF-style: chr3-48506392-C-T.
Other names: c.1837C>T, p.His613Tyr (NM_001271022.2); c.1939C>T, p.His647Tyr (NM_001271023.2); c.2137C>T, p.His713Tyr (NM_032166.4); short protein forms H740Y, H613Y, H647Y, H713Y.
Identifiers: ClinVar variation 3464988 (VCV003464988.1).

ClinVar aggregate classification (germline): Uncertain significance (1 of 4 stars; one submission).

gnomAD v4.1: 2 of 1,614,112 alleles (0.00012%); highest among the groups gnomAD compares: East Asian, 0.0045%; no homozygotes.

Submission:

Ambry Genetics
Classification: Uncertain significance. Last evaluated: 2024-12-04. Review status: criteria provided, single submitter. Criteria: Ambry Variant Classification Scheme 2023. Collection method: clinical testing. Allele origin: germline.
Comment: The p.H740Y variant (also known as c.2218C>T), located in coding exon 12 of the ATRIP gene, results from a C to T substitution at nucleotide position 2218. The histidine at codon 740 is replaced by tyrosine, an amino acid with similar properties. This amino acid position is conserved. In addition, this alteration is predicted to be deleterious by in silico analysis. Based on the available evidence, the clinical significance of this variant remains unclear.